The following is an entry in ClinVar:

NM_024806.4(JHY):c.439T>C (p.Leu147=)

Gene: JHY (junctional cadherin complex regulator; plus strand). Cytogenetic location: 11q24.1.
Variant type: single nucleotide variant.
Coding change: c.439T>C on transcript NM_024806.4 (MANE Select); coding-DNA position 439, T replaced by C.
Protein change: p.Leu147=; no amino-acid change (leucine 147 retained).
Molecular consequence: synonymous variant.
Genome position (GRCh38, 1-based): chr11:122,904,019, T>C. VCF-style: chr11-122904019-T-C. GRCh37 (hg19) VCF-style: chr11-122774727-T-C.
Other names: c.439T>C, p.Leu147= (NM_001363087.2, NM_001363088.2, NM_001363089.2 and 1 more transcripts).
Identifiers: ClinVar variation 2642482 (VCV002642482.24), dbSNP rs756834157, ClinGen allele CA6331579.

ClinVar aggregate classification (germline): Likely benign (1 of 4 stars; one submission).

Allele frequency attached by ClinVar (database versions not stated): ExAC 0.00001; TOPMed 0.00002; gnomAD 0.00003; gnomAD exomes 0.00007.
gnomAD v4.1: 110 of 1,614,006 alleles (0.0068%); highest among the groups gnomAD compares: Non-Finnish European, 0.0092%; no homozygotes.

Submission:

CeGaT Center for Human Genetics Tuebingen
Classification: Likely benign. Last evaluated: 2022-12-01. Review status: criteria provided, single submitter. Criteria: CeGaT Center For Human Genetics Tuebingen Variant Classification Criteria Version 2. Collection method: clinical testing. Allele origin: germline. Affected: yes. Observed: 1 variant allele.
Comment: JHY: BP4, BP7